The following is an entry in ClinVar:

ClinVar aggregate classification (germline): Uncertain significance (1 of 4 stars; one submission).

gnomAD v4.1: 14 of 1,613,936 alleles (0.00087%); highest among the groups gnomAD compares: Non-Finnish European, 0.0012%; no homozygotes.

Submission:

Labcorp Genetics (formerly Invitae), Labcorp
Classification: Uncertain significance. Last evaluated: 2024-02-07. Review status: criteria provided, single submitter. Criteria: Invitae Variant Classification Sherloc (09022015). Collection method: clinical testing. Allele origin: germline.
Comment: This sequence change replaces asparagine, which is neutral and polar, with serine, which is neutral and polar, at codon 372 of the STAT4 protein (p.Asn372Ser). This variant is present in population databases (no rsID available, gnomAD 0.0009%). This variant has not been reported in the literature in individuals affected with STAT4-related conditions. An algorithm developed to predict the effect of missense changes on protein structure and function (PolyPhen-2) suggests that this variant is likely to be tolerated. Algorithms developed to predict the effect of sequence changes on RNA splicing suggest that this variant may create or strengthen a splice site. In summary, the available evidence is currently insufficient to determine the role of this variant in disease. Therefore, it has been classified as a Variant of Uncertain Significance.

NM_003151.4(STAT4):c.1115A>G (p.Asn372Ser)

Gene: STAT4 (signal transducer and activator of transcription 4; minus strand). Cytogenetic location: 2q32.2.
Variant type: single nucleotide variant.
Coding change: c.1115A>G on transcript NM_003151.4 (MANE Select); coding-DNA position 1115, A replaced by G.
Protein change: p.Asn372Ser; replaces asparagine 372 with serine.
Molecular consequence: missense variant.
Genome position (GRCh38, 1-based): chr2:191,058,109, T>C on the plus strand (A>G on the coding strand, the complement: STAT4 is on the minus strand). VCF-style: chr2-191058109-T-C. GRCh37 (hg19) VCF-style: chr2-191922835-T-C.
Other names: c.1115A>G, p.Asn372Ser (NM_001243835.2); short protein forms N372S.
Identifiers: ClinVar variation 3699263 (VCV003699263.2).
Genomic context (GRCh38, chr2:191,058,109, plus strand): 5'-TTGGAAGATTCTTCAATAGACATGGCTTTGACATTAGTTCCACAAAGTACAAATCTTCGG[T>C]TGCTGGAGAGGAAATCTTAGCTATTTACATGGTCTCAGGTAAAATAAATTTACAAGAGCA-3'
Protein context (NP_003142.1, residues 362-382): SIDKNVSTLS[Asn372Ser]RRFVLCGTNV